The following is an entry in ClinVar:

ClinVar aggregate classification (germline): Uncertain significance (1 of 4 stars; one submission).

Conditions:
Multiple gastrointestinal atresias. Also called: FAMILIAL INTESTINAL POLYATRESIA SYNDROME; Multiple intestinal atresia. Identifiers: Orphanet 2300, MedGen C0220744, MONDO:0009465.

Submission:

Labcorp Genetics (formerly Invitae), Labcorp
Classification: Uncertain significance for Multiple gastrointestinal atresias. Last evaluated: 2019-08-15. Review status: criteria provided, single submitter. Criteria: Invitae Variant Classification Sherloc (09022015). Collection method: clinical testing. Allele origin: germline.
Comment: Algorithms developed to predict the effect of missense changes on protein structure and function are either unavailable or do not agree on the potential impact of this missense change (SIFT: "Deleterious"; PolyPhen-2: "Possibly Damaging"; Align-GVGD: "Class C0"). In summary, the available evidence is currently insufficient to determine the role of this variant in disease. Therefore, it has been classified as a Variant of Uncertain Significance. This variant has not been reported in the literature in individuals with TTC7A-related conditions. This variant is not present in population databases (ExAC no frequency). This sequence change replaces isoleucine with phenylalanine at codon 382 of the TTC7A protein (p.Ile382Phe). The isoleucine residue is weakly conserved and there is a small physicochemical difference between isoleucine and phenylalanine.

NM_020458.4(TTC7A):c.1144A>T (p.Ile382Phe)

Gene: TTC7A (tetratricopeptide repeat domain 7A; plus strand). Cytogenetic location: 2p21.
Variant type: single nucleotide variant.
Coding change: c.1144A>T on transcript NM_020458.4 (MANE Select); coding-DNA position 1144, A replaced by T.
Protein change: p.Ile382Phe; replaces isoleucine 382 with phenylalanine.
Molecular consequence: missense variant.
Genome position (GRCh38, 1-based): chr2:47,006,000, A>T. VCF-style: chr2-47006000-A-T. GRCh37 (hg19) VCF-style: chr2-47233139-A-T.
Other names: c.1144A>T, p.Ile382Phe (NM_001288951.2); c.1042A>T, p.Ile348Phe (NM_001288953.2); c.82A>T, p.Ile28Phe (NM_001288955.2); short protein forms I382F, I28F, I348F.
Identifiers: ClinVar variation 954687 (VCV000954687.10), dbSNP rs757541124, ClinGen allele CA346714214.
Genomic context (GRCh38, chr2:47,006,000, plus strand): 5'-CTGAGCCGGGTGCCGGAGCAGGAGGAGGACCGGACAGTGAGCTTGCAGAATGCCGCAGCC[A>T]TCTATGACCTCCTGAGCATCACGTTGGGCAGAAGGGGACAGTACGTCATGCTCTCGGAGG-3'
Protein context (NP_065191.2, residues 372-392): RTVSLQNAAA[Ile382Phe]YDLLSITLGR